The following is an entry in ClinVar:

ClinVar aggregate classification (germline): Conflicting classifications of pathogenicity. Review status: criteria provided, conflicting classifications (1 of 4 stars). 8 submissions from 8 submitters: Uncertain significance (1); Benign (6); Likely benign (1). Last evaluated 2026-02-03.

Conditions:
CHARGE syndrome (CHARGE). Also called: CHARGE ASSOCIATION--COLOBOMA, HEART ANOMALY, CHOANAL ATRESIA, RETARDATION, GENITAL AND EAR ANOMALIES; Hittner Hirsch Kreh syndrome; Coloboma, heart anomaly, choanal atresia, retardation, genital and ear anomalies; CHARGE association; Hall-Hittner syndrome. Identifiers: Orphanet 138, MedGen C0265354, MONDO:0008965.
Hypogonadotropic hypogonadism 5 with or without anosmia (KAL5). Also called: HYPOGONADOTROPIC HYPOGONADISM 5 WITH ANOSMIA; HYPOGONADOTROPHIC HYPOGONADISM 5 WITHOUT ANOSMIA; CHD7-Related GnRH Deficiency (Kallmann Syndrome 5). Identifiers: Orphanet 478, MedGen C3552553, MONDO:0012880, OMIM 612370. Disease mechanism: loss of function.

Allele frequency attached by ClinVar (database versions not stated): gnomAD exomes 0.00090 and 0.00259; gnomAD 0.01025 and 0.01094; ESP Exome Variant Server 0.01119; TOPMed 0.01172; ExAC 0.00325; 1000 Genomes Project 0.01318; 1000 Genomes Project 30x 0.01390.
gnomAD v4.1: 2,901 of 1,597,992 alleles (0.18%); highest among the groups gnomAD compares: African/African-American, 3.5%; 51 homozygotes.

Submissions (9):

Labcorp Genetics (formerly Invitae), Labcorp
Classification: Benign for CHARGE syndrome. Last evaluated: 2026-02-03. Review status: criteria provided, single submitter. Criteria: Invitae Variant Classification Sherloc (09022015). Collection method: clinical testing. Allele origin: germline.

Illumina Laboratory Services, Illumina
Classification: Benign for Kallmann Syndrome 5. Last evaluated: 2018-01-13. Review status: criteria provided, single submitter. Criteria: ICSL Variant Classification Criteria 13 December 2019. Collection method: clinical testing. Allele origin: germline.
Comment: This variant was observed in the ICSL laboratory as part of a predisposition screen in an ostensibly healthy population. It had not been previously curated by ICSL or reported in the Human Gene Mutation Database (HGMD: prior to June 1st, 2018), and was therefore a candidate for classification through an automated scoring system. Utilizing variant allele frequency, disease prevalence and penetrance estimates, and inheritance mode, an automated score was calculated to assess if this variant is too frequent to cause the disease. Based on the score and internal cut-off values, a variant classified as benign is not then subjected to further curation. The score for this variant resulted in a classification of benign for this disease.

Laboratory for Molecular Medicine, Mass General Brigham Personalized Medicine
Classification: Benign. Last evaluated: 2017-08-23. Review status: criteria provided, single submitter. Criteria: LMM Criteria. Collection method: clinical testing. Allele origin: germline. Observed: 1 variant allele.
Comment: c.4534-13T>G in intron 19 of CHD7: This variant is not expected to have clinical significance because it has been identified in 3.79% (370/9758) of African chro mosomes by the Exome Aggregation Consortium (ExAC, g; dbSNP rs114996731).

Center for Pediatric Genomic Medicine, Children's Mercy Hospital and Clinics
Classification: Likely benign. Last evaluated: 2017-08-11. Review status: criteria provided, single submitter. Criteria: ACMG Guidelines, 2015. Collection method: clinical testing. Allele origin: germline.

GeneDx
Classification: Benign. Last evaluated: 2015-03-03. Review status: criteria provided, single submitter. Criteria: GeneDx Variant Classification Process June 2021. Collection method: clinical testing. Allele origin: germline. Affected: yes.

Eurofins Ntd Llc (ga)
Classification: Benign. Last evaluated: 2014-10-28. Review status: criteria provided, single submitter. Criteria: EGL Classification Definitions 2015. Collection method: clinical testing. Allele origin: germline. Observed: 1 variant allele, 1 heterozygote.

Genetic Services Laboratory, University of Chicago
Classification: Uncertain significance for CHARGE syndrome. Last evaluated: 2013-02-08. Review status: criteria provided, single submitter. Criteria: ACMG Guidelines, 2007. Collection method: clinical testing. Allele origin: germline. Inheritance: Autosomal dominant inheritance.

PreventionGenetics, part of Exact Sciences
Classification: Benign. Review status: criteria provided, single submitter. Criteria: ACMG Guidelines, 2015. Collection method: clinical testing. Allele origin: germline.

Dr. Peter K. Rogan Lab, Western University
No classification provided (evidence only). Condition: Uterine corpus endometrial carcinoma. Review status: no classification provided. Collection method: in vitro. Allele origin: not applicable. Functional consequence: retained intron. Not counted in ClinVar's aggregate classification.

NM_017780.4(CHD7):c.4534-13T>G

Gene: CHD7 (chromodomain helicase DNA binding protein 7; plus strand). Cytogenetic location: 8q12.2.
Variant type: single nucleotide variant.
Coding change: c.4534-13T>G on transcript NM_017780.4 (MANE Select); 13 bases into the intron before coding-DNA position 4534, T replaced by G.
Molecular consequence: intron variant.
Genome position (GRCh38, 1-based): chr8:60,841,631, T>G. VCF-style: chr8-60841631-T-G. GRCh37 (hg19) VCF-style: chr8-61754190-T-G.
Other names: c.4534-13T>G (LRG_176t1); c.1717-20598T>G (NM_001316690.1).
Identifiers: ClinVar variation 158297 (VCV000158297.30), dbSNP rs114996731, ClinGen allele CA201802.